The following is an entry in ClinVar:

NM_002473.6(MYH9):c.218AGA[1] (p.Lys74del)

Gene: MYH9 (myosin heavy chain 9; minus strand). Cytogenetic location: 22q12.3.
Variant type: Microsatellite.
Coding change: c.218AGA[1] on transcript NM_002473.6 (MANE Select); one copy of the 3-base unit AGA starting at c.218; the reference has two copies in a row; one copy, 3 bases deleted.
Protein change: p.Lys74del; deletes lysine 74.
Genome position (GRCh38, 1-based): chr22:36,349,014-36,349,016, TCT deleted on the plus strand (AGA on the coding strand, the reverse complement: MYH9 is on the minus strand); deleting any 3 consecutive bases within chr22:36,349,014-36,349,019 gives the same sequence; the position shown is the placement nearest the transcript's 3' end. VCF-style (leftmost placement, unchanged base first): chr22-36349013-ATCT-A. GRCh37 (hg19) VCF-style: chr22-36745058-ATCT-A.
Other names: c.221_223delAGA (NM_002473.6); short protein forms K74del.
Identifiers: ClinVar variation 3366473 (VCV003366473.3).

ClinVar aggregate classification (germline): Uncertain significance. Review status: criteria provided, multiple submitters, no conflicts (2 of 4 stars). 2 submissions from 2 submitters: Uncertain significance (2). Last evaluated 2024-10-30.

Submissions (2):

Labcorp Genetics (formerly Invitae), Labcorp
Classification: Uncertain significance. Last evaluated: 2024-10-30. Review status: criteria provided, single submitter. Criteria: Invitae Variant Classification Sherloc (09022015). Collection method: clinical testing. Allele origin: germline.
Comment: This variant, c.221_223del, results in the deletion of 1 amino acid(s) of the MYH9 protein (p.Lys74del), but otherwise preserves the integrity of the reading frame. This variant is not present in population databases (gnomAD no frequency). This variant has been observed in individual(s) with MYH9-related disorders (PMID: 30916803). Experimental studies and prediction algorithms are not available or were not evaluated, and the functional significance of this variant is currently unknown. In summary, the available evidence is currently insufficient to determine the role of this variant in disease. Therefore, it has been classified as a Variant of Uncertain Significance.

Women's Health and Genetics/Laboratory Corporation of America, LabCorp
Classification: Uncertain significance. Last evaluated: 2024-08-06. Review status: criteria provided, single submitter. Criteria: LabCorp Variant Classification Summary - May 2015. Collection method: clinical testing. Allele origin: germline.
Comment: Variant summary: MYH9 c.221_223delAGA (p.Lys74del) results in an in-frame deletion that is predicted to remove 1 amino acid from the encoded protein. The variant was absent in 251466 control chromosomes. c.221_223delAGA has been reported in the literature in at least three heterozygous individuals affected with Macrothrombocytopenia And Granulocyte Inclusions With Or Without Nephritis Or Sensorineural Hearing Loss (e.g., Smoth_2019, Tabibzadeh_2019). These data indicate that the variant may be associated with disease. To our knowledge, no experimental evidence demonstrating an impact on protein function has been reported. The following publications have been ascertained in the context of this evaluation (PMID: 30916803, 31384440). No submitters have cited clinical-significance assessments for this variant to ClinVar. Based on the evidence outlined above, the variant was classified as VUS-possibly pathogenic.

Literature cited by the submitters: PubMed 30916803 (cited by Labcorp Genetics (formerly Invitae), Labcorp and Women's Health and Genetics/Laboratory Corporation of America, LabCorp); PubMed 31384440 (cited by Women's Health and Genetics/Laboratory Corporation of America, LabCorp).